The following is an entry in ClinVar:

NM_025103.4(IFT74):c.686dup (p.Tyr230fs)

Gene: IFT74 (intraflagellar transport 74; plus strand). Cytogenetic location: 9p21.2.
Variant type: Duplication.
Coding change: c.686dup on transcript NM_025103.4 (MANE Select); coding-DNA position 686, one base duplicated (A; older notation c.686dupA).
Protein change: p.Tyr230fs; shifts the reading frame from tyrosine 230.
Molecular consequence: frameshift variant.
Genome position (GRCh38, 1-based): chr9:27,009,118, A duplicated; the last of 2 consecutive A bases (chr9:27,009,117-27,009,118); duplicating either gives the same sequence. VCF-style (leftmost placement, unchanged base first): chr9-27009116-C-CA. GRCh37 (hg19) VCF-style: chr9-27009114-C-CA.
Other names: c.686dup, p.Tyr230fs (NM_001099222.3, NM_001099223.3, NM_001099224.3 and 1 more transcripts); short protein forms Y230fs.
Identifiers: ClinVar variation 2030737 (VCV002030737.4), dbSNP rs2489423803, ClinGen allele CA2580080309.
Genomic context (GRCh38, chr9:27,009,116, plus strand): 5'-TGAACAGGAAAAACAAGCAACAGATGACATTATCAAAAATATGTCTTTTGAAAACCAAGT[C>CA]AAGTACCTAGAGATGAAAACCACAAATGAGAAACTGTTACAGGTAATACAAATTACTGCT-3'

ClinVar aggregate classification (germline): Pathogenic (1 of 4 stars; one submission).

Submission:

Labcorp Genetics (formerly Invitae), Labcorp
Classification: Pathogenic. Last evaluated: 2022-09-15. Review status: criteria provided, single submitter. Criteria: Invitae Variant Classification Sherloc (09022015). Collection method: clinical testing. Allele origin: germline.
Comment: This sequence change creates a premature translational stop signal (p.Tyr230Valfs*9) in the IFT74 gene. It is expected to result in an absent or disrupted protein product. Loss-of-function variants in IFT74 are known to be pathogenic (PMID: 33531668). This variant is not present in population databases (gnomAD no frequency). This variant has not been reported in the literature in individuals affected with IFT74-related conditions. For these reasons, this variant has been classified as Pathogenic.

Literature cited by the submitters: PubMed 33531668.